The following is an entry in ClinVar:

ClinVar aggregate classification (germline): Benign. Review status: criteria provided, multiple submitters, no conflicts (2 of 4 stars). 3 submissions from 3 submitters: Benign (2). 1 of the submissions does not count toward it. Last evaluated 2018-01-13.

Conditions:
Acral peeling skin syndrome. Also called: Peeling skin syndrome 2. Identifiers: Orphanet 263534, MedGen C1853354, MONDO:0012345, OMIM 609796.
TGM5-related disorder. Also called: TGM5-related condition.

Allele frequency attached by ClinVar (database versions not stated): 1000 Genomes Project 0.00559; 1000 Genomes Project 30x 0.00625; TOPMed 0.01186; ExAC 0.01243; ESP Exome Variant Server 0.01253; gnomAD 0.01257 and 0.01269; gnomAD exomes 0.01345 and 0.01659.
gnomAD v4.1: 26,139 of 1,614,168 alleles (1.6%); highest among the groups gnomAD compares: Non-Finnish European, 1.8%; 285 homozygotes.

Submissions (3):

Illumina Laboratory Services, Illumina
Classification: Benign for Acral peeling skin syndrome. Last evaluated: 2018-01-13. Review status: criteria provided, single submitter. Criteria: ICSL Variant Classification Criteria 13 December 2019. Collection method: clinical testing. Allele origin: germline.
Comment: This variant was observed in the ICSL laboratory as part of a predisposition screen in an ostensibly healthy population. It had not been previously curated by ICSL or reported in the Human Gene Mutation Database (HGMD: prior to June 1st, 2018), and was therefore a candidate for classification through an automated scoring system. Utilizing variant allele frequency, disease prevalence and penetrance estimates, and inheritance mode, an automated score was calculated to assess if this variant is too frequent to cause the disease. Based on the score and internal cut-off values, a variant classified as benign is not then subjected to further curation. The score for this variant resulted in a classification of benign for this disease.

Breakthrough Genomics
Classification: Benign. Review status: criteria provided, single submitter. Criteria: ACMG Guidelines, 2015. Collection method: not provided. Allele origin: germline. Inheritance: Autosomal recessive inheritance. Affected: yes.

PreventionGenetics, part of Exact Sciences
Classification: Benign for TGM5-related condition. Last evaluated: 2019-05-10. Review status: no assertion criteria provided. Collection method: clinical testing. Allele origin: germline. Not counted in ClinVar's aggregate classification.
Comment: This variant is classified as benign based on ACMG/AMP sequence variant interpretation guidelines (Richards et al. 2015 PMID: 25741868, with internal and published modifications).

NM_201631.4(TGM5):c.1562A>G (p.Gln521Arg)

Gene: TGM5 (transglutaminase 5; minus strand). Cytogenetic location: 15q15.2.
Variant type: single nucleotide variant.
Coding change: c.1562A>G on transcript NM_201631.4 (MANE Select); coding-DNA position 1562, A replaced by G.
Protein change: p.Gln521Arg; replaces glutamine 521 with arginine.
Molecular consequence: missense variant.
Genome position (GRCh38, 1-based): chr15:43,235,621, T>C on the plus strand (A>G on the coding strand, the complement: TGM5 is on the minus strand). VCF-style: chr15-43235621-T-C. GRCh37 (hg19) VCF-style: chr15-43527819-T-C.
Other names: c.1316A>G, p.Gln439Arg (NM_004245.4); short protein forms Q521R, Q439R.
Identifiers: ClinVar variation 316041 (VCV000316041.8), dbSNP rs35985214, ClinGen allele CA7520945.